The following is an entry in ClinVar:

NM_000038.6(APC):c.1865A>T (p.Tyr622Phe)

Gene: APC (APC regulator of Wnt signaling pathway; plus strand). Cytogenetic location: 5q22.2.
Variant type: single nucleotide variant.
Coding change: c.1865A>T on transcript NM_000038.6 (MANE Select); coding-DNA position 1865, A replaced by T.
Protein change: p.Tyr622Phe; replaces tyrosine 622 with phenylalanine.
Molecular consequence: missense variant.
Genome position (GRCh38, 1-based): chr5:112,835,072, A>T. VCF-style: chr5-112835072-A-T. GRCh37 (hg19) VCF-style: chr5-112170769-A-T.
Other names: c.1865A>T, p.Tyr622Phe (NM_001127510.3, NM_001354895.2); c.1811A>T, p.Tyr604Phe (NM_001127511.3); c.1919A>T, p.Tyr640Phe (NM_001354896.2); c.1895A>T, p.Tyr632Phe (NM_001354897.2); c.1790A>T, p.Tyr597Phe (NM_001354898.2); c.1781A>T, p.Tyr594Phe (NM_001354899.2); c.1742A>T, p.Tyr581Phe (NM_001354900.2); c.1688A>T, p.Tyr563Phe (NM_001354901.2); and 5 more; short protein forms Y604F, Y622F, Y496F, Y531F, Y563F, Y632F, Y640F, Y339F.
Identifiers: ClinVar variation 537410 (VCV000537410.10), dbSNP rs1554083183, ClinGen allele CA16025401.

ClinVar aggregate classification (germline): Uncertain significance (1 of 4 stars; one submission).

Conditions:
Familial adenomatous polyposis 1 (FAP1). Also called: FAMILIAL ADENOMATOUS POLYPOSIS 1, ATTENUATED; POLYPOSIS, ADENOMATOUS INTESTINAL. Identifiers: MedGen C2713442, MONDO:0021056, OMIM 175100. Disease mechanism: loss of function.

Submission:

Labcorp Genetics (formerly Invitae), Labcorp
Classification: Uncertain significance for Familial adenomatous polyposis 1. Last evaluated: 2017-09-14. Review status: criteria provided, single submitter. Criteria: Invitae Variant Classification Sherloc (09022015). Collection method: clinical testing. Allele origin: germline.
Comment: This sequence change replaces tyrosine with phenylalanine at codon 622 of the APC protein (p.Tyr622Phe). The tyrosine residue is highly conserved and there is a small physicochemical difference between tyrosine and phenylalanine. This variant is not present in population databases (ExAC no frequency). This variant has not been reported in the literature in individuals with APC-related disease. Algorithms developed to predict the effect of missense changes on protein structure and function (SIFT, PolyPhen-2, Align-GVGD) all suggest that this variant is likely to be tolerated, but these predictions have not been confirmed by published functional studies and their clinical significance is uncertain. In summary, the available evidence is currently insufficient to determine the role of this variant in disease. Therefore, it has been classified as a Variant of Uncertain Significance.